The following is an entry in ClinVar:

NM_000520.6(HEXA):c.926G>A (p.Ser309Asn)

Gene: HEXA (hexosaminidase subunit alpha; minus strand). Cytogenetic location: 15q23.
Variant type: single nucleotide variant.
Coding change: c.926G>A on transcript NM_000520.6 (MANE Select); coding-DNA position 926, G replaced by A.
Protein change: p.Ser309Asn; replaces serine 309 with asparagine.
Molecular consequence: missense variant. On other transcripts: non-coding transcript variant (1).
Genome position (GRCh38, 1-based): chr15:72,349,139, C>T on the plus strand (G>A on the coding strand, the complement: HEXA is on the minus strand). VCF-style: chr15-72349139-C-T. GRCh37 (hg19) VCF-style: chr15-72641480-C-T.
Other names: c.959G>A, p.Ser320Asn (NM_001318825.2); short protein forms S309N, S320N.
Identifiers: ClinVar variation 1405276 (VCV001405276.8), dbSNP rs2088661242, ClinGen allele CA393062339.

ClinVar aggregate classification (germline): Uncertain significance (1 of 4 stars; one submission).

Conditions:
Tay-Sachs disease (TSD). Also called: HEXA DEFICIENCY; GM2 gangliosidosis, type 1; Hexosaminidase alpha-subunit deficiency (variant B); Sphingolipidosis, Tay-Sachs; Hexosaminidase A Deficiency; HEXA Disorders. Identifiers: Orphanet 845, MedGen C0039373, MONDO:0010100, OMIM 272800.

Submission:

Labcorp Genetics (formerly Invitae), Labcorp
Classification: Uncertain significance for Tay-Sachs disease. Last evaluated: 2021-07-31. Review status: criteria provided, single submitter. Criteria: Invitae Variant Classification Sherloc (09022015). Collection method: clinical testing. Allele origin: germline.
Comment: Algorithms developed to predict the effect of missense changes on protein structure and function are either unavailable or do not agree on the potential impact of this missense change (SIFT: "Tolerated"; PolyPhen-2: "Possibly Damaging"; Align-GVGD: "Class C0"). In summary, the available evidence is currently insufficient to determine the role of this variant in disease. Therefore, it has been classified as a Variant of Uncertain Significance. This variant has not been reported in the literature in individuals affected with HEXA-related conditions. This variant is not present in population databases (ExAC no frequency). This sequence change replaces serine with asparagine at codon 309 of the HEXA protein (p.Ser309Asn). The serine residue is moderately conserved and there is a small physicochemical difference between serine and asparagine.